The following is an entry in ClinVar:

NM_001267550.2(TTN):c.99308T>A (p.Ile33103Lys)

Genes: TTN (titin; minus strand), TTN-AS1 (TTN antisense RNA 1; plus strand). Cytogenetic location: 2q31.2.
Variant type: single nucleotide variant.
Coding change: c.99308T>A on transcript NM_001267550.2 (MANE Select); coding-DNA position 99308, T replaced by A.
Protein change: p.Ile33103Lys; replaces isoleucine 33103 with lysine.
Molecular consequence: missense variant.
Genome position (GRCh38, 1-based): chr2:178,537,899, A>T on the plus strand (T>A on the coding strand, the complement: TTN is on the minus strand). VCF-style: chr2-178537899-A-T. GRCh37 (hg19) VCF-style: chr2-179402626-A-T.
Other names: c.94385T>A, p.Ile31462Lys (NM_001256850.1); c.72113T>A, p.Ile24038Lys (NM_003319.4); c.91604T>A, p.Ile30535Lys (NM_133378.4); c.72488T>A, p.Ile24163Lys (NM_133432.3); c.72689T>A, p.Ile24230Lys (NM_133437.4); short protein forms I24230K, I31462K, I24038K, I30535K, I24163K, I33103K.
Identifiers: ClinVar variation 1757733 (VCV001757733.3), dbSNP rs1251000688, ClinGen allele CA349430399.
Genomic context (GRCh38, chr2:178,537,899, plus strand): 5'-TGGCATGAGAGTTGAGCAGCTTCACCCAATTTTGTGGTAACATCCTTCATTTCTTTGCGT[A>T]TTCCTGGGGCCTCTCCAGCTGAACAATATGAAAGATAATATTAAGTGACTGTTAATACTC-3'
Protein context (NP_001254479.2, residues 33093-33113): TKLTSGEAPG[Ile33103Lys]RKEMKDVTTK

ClinVar aggregate classification (germline): Uncertain significance. Review status: criteria provided, multiple submitters, no conflicts (2 of 4 stars). 2 submissions from 2 submitters: Uncertain significance (2). Last evaluated 2025-03-18.

Conditions:
Cardiovascular phenotype. Identifiers: MedGen CN230736.

Allele frequency attached by ClinVar (database versions not stated): gnomAD 0.00002.
gnomAD v4.1: 3 of 1,610,726 alleles (0.00019%); highest among the groups gnomAD compares: African/African-American, 0.004%; no homozygotes.

Submissions (2):

GeneDx
Classification: Uncertain significance. Last evaluated: 2025-03-18. Review status: criteria provided, single submitter. Criteria: GeneDx Variant Classification Process June 2021. Collection method: clinical testing. Allele origin: germline. Affected: yes.
Comment: Not observed at significant frequency in large population cohorts (gnomAD); Missense variant in a gene in which most reported pathogenic variants are truncating/loss of function; Has not been previously published as pathogenic or benign to our knowledge

Ambry Genetics
Classification: Uncertain significance for Cardiovascular phenotype. Last evaluated: 2020-08-20. Review status: criteria provided, single submitter. Criteria: Ambry Variant Classification Scheme 2023. Collection method: clinical testing. Allele origin: germline.
Comment: The p.I24038K variant (also known as c.72113T>A), located in coding exon 182 of the TTN gene, results from a T to A substitution at nucleotide position 72113. The isoleucine at codon 24038 is replaced by lysine, an amino acid with dissimilar properties. This amino acid position is poorly conserved in available vertebrate species. In addition, this alteration is predicted to be tolerated by in silico analysis. Since supporting evidence is limited at this time, the clinical significance of this alteration remains unclear.